The following is an entry in ClinVar:

NM_052997.3(ANKRD30A):c.2529T>C (p.Asp843=)

Gene: ANKRD30A (ankyrin repeat domain 30A; plus strand). Cytogenetic location: 10p11.21.
Variant type: single nucleotide variant.
Coding change: c.2529T>C on transcript NM_052997.3 (MANE Select); coding-DNA position 2529, T replaced by C.
Protein change: p.Asp843=; no amino-acid change (aspartic acid 843 retained).
Molecular consequence: synonymous variant.
Genome position (GRCh38, 1-based): chr10:37,193,080, T>C. VCF-style: chr10-37193080-T-C. GRCh37 (hg19) VCF-style: chr10-37482008-T-C.
Identifiers: ClinVar variation 3388052 (VCV003388052.14).

ClinVar aggregate classification (germline): Likely benign (1 of 4 stars; one submission).

gnomAD v4.1: 5,285 of 1,609,718 alleles (0.33%); highest among the groups gnomAD compares: Non-Finnish European, 0.39%; 34 homozygotes.

Submission:

CeGaT Center for Human Genetics Tuebingen
Classification: Likely benign. Last evaluated: 2025-07-01. Review status: criteria provided, single submitter. Criteria: CeGaT Center For Human Genetics Tuebingen Variant Classification Criteria Version 2. Collection method: clinical testing. Allele origin: germline. Affected: yes. Observed: 3 variant alleles.
Comment: ANKRD30A: BP4, BP7, BS2